The following is an entry in ClinVar:

ClinVar aggregate classification (germline): Uncertain significance (1 of 4 stars; one submission).

Conditions:
Polyhydramnios, megalencephaly, and symptomatic epilepsy (PMSE). Also called: PMSE SYNDROME. Identifiers: Orphanet 500533, MedGen C1970203, MONDO:0012611, OMIM 611087.

Allele frequency attached by ClinVar (database versions not stated): ExAC 0.00001; gnomAD exomes 0.00001 and 0.00002.
gnomAD v4.1: 3 of 1,613,948 alleles (0.00019%); highest among the groups gnomAD compares: South Asian, 0.0033%; no homozygotes.

Submission:

Labcorp Genetics (formerly Invitae), Labcorp
Classification: Uncertain significance for Polyhydramnios, megalencephaly, and symptomatic epilepsy. Last evaluated: 2023-11-27. Review status: criteria provided, single submitter. Criteria: Invitae Variant Classification Sherloc (09022015). Collection method: clinical testing. Allele origin: germline.
Comment: This sequence change replaces glycine, which is neutral and non-polar, with valine, which is neutral and non-polar, at codon 67 of the STRADA protein (p.Gly67Val). This variant is present in population databases (rs753976287, gnomAD 0.01%). This variant has not been reported in the literature in individuals affected with STRADA-related conditions. ClinVar contains an entry for this variant (Variation ID: 1026477). An algorithm developed to predict the effect of missense changes on protein structure and function (PolyPhen-2) suggests that this variant is likely to be tolerated. In summary, the available evidence is currently insufficient to determine the role of this variant in disease. Therefore, it has been classified as a Variant of Uncertain Significance.

NM_001003787.4(STRADA):c.200G>T (p.Gly67Val)

Gene: STRADA (STE20 related adaptor alpha; minus strand). Cytogenetic location: 17q23.3.
Variant type: single nucleotide variant.
Coding change: c.200G>T on transcript NM_001003787.4 (MANE Select); coding-DNA position 200, G replaced by T.
Protein change: p.Gly67Val; replaces glycine 67 with valine.
Molecular consequence: missense variant. On other transcripts: non-coding transcript variant (1), intron variant (1).
Genome position (GRCh38, 1-based): chr17:63,714,032, C>A on the plus strand (G>T on the coding strand, the complement: STRADA is on the minus strand). VCF-style: chr17-63714032-C-A. GRCh37 (hg19) VCF-style: chr17-61791392-C-A.
Other names: c.89G>T, p.Gly30Val (NM_001003786.3, NM_001363789.1, NM_153335.6); c.26G>T, p.Gly9Val (NM_001003788.3, NM_001363790.1, NM_001363791.1); c.113G>T, p.Gly38Val (NM_001165969.2, NM_001363787.1); c.176G>T, p.Gly59Val (NM_001363786.1); c.200G>T, p.Gly67Val (NM_001363788.1); c.95-505G>T (NM_001165970.2); short protein forms G30V, G38V, G59V, G67V, G9V.
Identifiers: ClinVar variation 1026477 (VCV001026477.8), dbSNP rs753976287, ClinGen allele CA8703470.